The following is an entry in ClinVar:

NM_198586.3(NHLRC1):c.85T>G (p.Cys29Gly)

Gene: NHLRC1 (NHL repeat containing E3 ubiquitin protein ligase 1; minus strand). Cytogenetic location: 6p22.3.
Variant type: single nucleotide variant.
Coding change: c.85T>G on transcript NM_198586.3 (MANE Select); coding-DNA position 85, T replaced by G.
Protein change: p.Cys29Gly; replaces cysteine 29 with glycine.
Molecular consequence: missense variant.
Genome position (GRCh38, 1-based): chr6:18,122,522, A>C on the plus strand (T>G on the coding strand, the complement: NHLRC1 is on the minus strand). VCF-style: chr6-18122522-A-C. GRCh37 (hg19) VCF-style: chr6-18122753-A-C.
Other names: p.Cys29Gly; short protein forms C29G.
Identifiers: ClinVar variation 3379637 (VCV003379637.1).

ClinVar aggregate classification (germline): Uncertain significance (1 of 4 stars; one submission).

Submission:

Mayo Clinic Laboratories, Mayo Clinic
Classification: Uncertain significance. Last evaluated: 2024-05-22. Review status: criteria provided, single submitter. Criteria: ACMG Guidelines, 2015. Collection method: clinical testing. Allele origin: germline. Observed: 1 variant allele.
Comment: PP3, PM2